The following is an entry in ClinVar:

NM_001035.3(RYR2):c.12735G>A (p.Leu4245=)

Genes: RYR2 (ryanodine receptor 2; plus strand), LOC126806068 (BRD4-independent group 4 enhancer GRCh37_chr1:237947411-237948610; plus strand). Cytogenetic location: 1q43.
Variant type: single nucleotide variant.
Coding change: c.12735G>A on transcript NM_001035.3 (MANE Select); coding-DNA position 12735, G replaced by A.
Protein change: p.Leu4245=; no amino-acid change (leucine 4245 retained).
Molecular consequence: synonymous variant.
Genome position (GRCh38, 1-based): chr1:237,784,447, G>A. VCF-style: chr1-237784447-G-A. GRCh37 (hg19) VCF-style: chr1-237947747-G-A.
Other names: c.12735G>A (NM_001035.2).
Identifiers: ClinVar variation 2058998 (VCV002058998.6), dbSNP rs1412924906, ClinGen allele CA066589.
Genomic context (GRCh38, chr1:237,784,447, plus strand): 5'-GCCGGAAGAGCAGGGGCCGAGGATGGCTTTCTTCTCCATTCTGACGGTCAGGTCGGCCCT[G>A]TTTGCGCTCAGGTACAATATCTTGACCCTTATGCGAATGCTCAGTCTGAAGAGCCTGAAG-3'
Protein context (NP_001026.2, residues 4235-4255): FFSILTVRSA[Leu4245=]FALRYNILTL

ClinVar aggregate classification (germline): Likely benign. Review status: criteria provided, multiple submitters, no conflicts (2 of 4 stars). 3 submissions from 3 submitters: Likely benign (3). Last evaluated 2025-08-28.

Conditions:
Catecholaminergic polymorphic ventricular tachycardia (CVPT). Also called: Catecholamine-induced polymorphic ventricular tachycardia. Identifiers: Orphanet 3286, MedGen C5574922, MONDO:0017990.
Catecholaminergic polymorphic ventricular tachycardia 1. Also called: VENTRICULAR TACHYCARDIA, STRESS-INDUCED POLYMORPHIC 1; VENTRICULAR TACHYCARDIA, CATECHOLAMINERGIC POLYMORPHIC, 1, WITH OR WITHOUT ATRIAL DYSFUNCTION AND/OR DILATED CARDIOMYOPATHY; RYR2-Related Catecholaminergic Polymorphic Ventricular Tachycardia. Identifiers: Orphanet 3286, MedGen C1631597, MONDO:0011484, OMIM 604772.
Cardiovascular phenotype. Identifiers: MedGen CN230736.

Allele frequency attached by ClinVar (database versions not stated): gnomAD exomes below 0.00001; TOPMed below 0.00001.
gnomAD v4.1: 1 of 1,613,788 alleles (0.000062%); highest among the groups gnomAD compares: Admixed American, 0.0017%; no homozygotes.

Submissions (3):

Ambry Genetics
Classification: Likely benign for Cardiovascular phenotype. Last evaluated: 2025-08-28. Review status: criteria provided, single submitter. Criteria: Ambry Variant Classification Scheme 2023. Collection method: clinical testing. Allele origin: germline.

All of Us Research Program, National Institutes of Health
Classification: Likely benign for Catecholaminergic polymorphic ventricular tachycardia. Last evaluated: 2023-06-26. Review status: criteria provided, single submitter. Criteria: ACMG Guidelines, 2015. Collection method: clinical testing. Allele origin: germline. Inheritance: Autosomal dominant inheritance. Observed: 1 variant allele, 1 heterozygote.
Comment: This study involves interpretation of variants in research participants for the purpose of population health screening. Participant phenotype was not available at the time of variant classification. Additional details can be found in publication PMID: 35346344, PMCID: PMC8962531

Labcorp Genetics (formerly Invitae), Labcorp
Classification: Likely benign for Catecholaminergic polymorphic ventricular tachycardia 1. Last evaluated: 2022-07-10. Review status: criteria provided, single submitter. Criteria: Invitae Variant Classification Sherloc (09022015). Collection method: clinical testing. Allele origin: germline.